The following is an entry in ClinVar:

NM_014425.5(INVS):c.2786+2T>G

Gene: INVS (inversin; plus strand). Cytogenetic location: 9q31.1.
Variant type: single nucleotide variant.
Coding change: c.2786+2T>G on transcript NM_014425.5 (MANE Select); the canonical splice donor site of the intron after coding-DNA position 2786, T replaced by G.
Molecular consequence: splice donor variant.
Genome position (GRCh38, 1-based): chr9:100,293,045, T>G. VCF-style: chr9-100293045-T-G. GRCh37 (hg19) VCF-style: chr9-103055327-T-G.
Other names: c.2498+2T>G (NM_001318381.2); c.1808+2T>G (NM_001318382.2).
Identifiers: ClinVar variation 3609664 (VCV003609664.2).

ClinVar aggregate classification (germline): Pathogenic (1 of 4 stars; one submission).

Conditions:
Nephronophthisis. Also called: Juvenile Nephronophthisis. Identifiers: Orphanet 655, MedGen C0687120, MONDO:0019005, HP:0000090.

gnomAD v4.1: 2 of 1,612,180 alleles (0.00012%); highest among the groups gnomAD compares: East Asian, 0.0045%; no homozygotes.

Submission:

Labcorp Genetics (formerly Invitae), Labcorp
Classification: Pathogenic for Nephronophthisis. Last evaluated: 2024-04-25. Review status: criteria provided, single submitter. Criteria: Invitae Variant Classification Sherloc (09022015). Collection method: clinical testing. Allele origin: germline.
Comment: This sequence change affects a donor splice site in intron 14 of the INVS gene. It is expected to disrupt RNA splicing. Variants that disrupt the donor or acceptor splice site typically lead to a loss of protein function (PMID: 16199547), and loss-of-function variants in INVS are known to be pathogenic (PMID: 12872123). This variant is present in population databases (no rsID available, gnomAD 0.06%). Disruption of this splice site has been observed in individual(s) with nephronophthisis (PMID: 32173348, 34295353). In at least one individual the data is consistent with being in trans (on the opposite chromosome) from a pathogenic variant. Algorithms developed to predict the effect of sequence changes on RNA splicing suggest that this variant may disrupt the consensus splice site. For these reasons, this variant has been classified as Pathogenic.

Literature cited by the submitters: PubMed 16199547; PubMed 12872123; PubMed 32173348; PubMed 34295353.